The following is an entry in ClinVar:

NM_024422.6(DSC2):c.1156A>G (p.Thr386Ala)

Gene: DSC2 (desmocollin 2; minus strand). Cytogenetic location: 18q12.1.
Variant type: single nucleotide variant.
Coding change: c.1156A>G on transcript NM_024422.6 (MANE Select); coding-DNA position 1156, A replaced by G.
Protein change: p.Thr386Ala; replaces threonine 386 with alanine.
Molecular consequence: missense variant.
Genome position (GRCh38, 1-based): chr18:31,082,345, T>C on the plus strand (A>G on the coding strand, the complement: DSC2 is on the minus strand). VCF-style: chr18-31082345-T-C. GRCh37 (hg19) VCF-style: chr18-28662311-T-C.
Other names: c.727A>G, p.Thr243Ala (NM_001406506.1, NM_001406507.1); c.1156A>G, p.Thr386Ala (NM_004949.5); short protein forms T386A, T243A.
Identifiers: ClinVar variation 3645048 (VCV003645048.2).

ClinVar aggregate classification (germline): Uncertain significance (1 of 4 stars; one submission).

Conditions:
Arrhythmogenic right ventricular dysplasia 11. Also called: ARRHYTHMOGENIC RIGHT VENTRICULAR DYSPLASIA, FAMILIAL, 11; Arrhythmogenic Right Ventricular Dysplasia/Cardiomyopathy11; Arrhythmogenic right ventricular dysplasia 11 with mild palmoplantar keratoderma and woolly hair. Identifiers: MedGen C1864850, MONDO:0012506, OMIM 610476.

Submission:

Labcorp Genetics (formerly Invitae), Labcorp
Classification: Uncertain significance for Arrhythmogenic right ventricular dysplasia 11. Last evaluated: 2024-04-10. Review status: criteria provided, single submitter. Criteria: Invitae Variant Classification Sherloc (09022015). Collection method: clinical testing. Allele origin: germline.
Comment: This sequence change replaces threonine, which is neutral and polar, with alanine, which is neutral and non-polar, at codon 386 of the DSC2 protein (p.Thr386Ala). This variant is not present in population databases (gnomAD no frequency). This variant has not been reported in the literature in individuals affected with DSC2-related conditions. Advanced modeling of protein sequence and biophysical properties (such as structural, functional, and spatial information, amino acid conservation, physicochemical variation, residue mobility, and thermodynamic stability) performed at Invitae indicates that this missense variant is expected to disrupt DSC2 protein function with a positive predictive value of 80%. In summary, the available evidence is currently insufficient to determine the role of this variant in disease. Therefore, it has been classified as a Variant of Uncertain Significance.